The following is an entry in ClinVar:

ClinVar aggregate classification (germline): Uncertain significance (1 of 4 stars; one submission).

gnomAD v4.1: 28 of 1,612,834 alleles (0.0017%); highest among the groups gnomAD compares: Non-Finnish European, 0.0021%; no homozygotes.

Submission:

Labcorp Genetics (formerly Invitae), Labcorp
Classification: Uncertain significance. Last evaluated: 2025-11-12. Review status: criteria provided, single submitter. Criteria: Invitae Variant Classification Sherloc (09022015). Collection method: clinical testing. Allele origin: germline.
Comment: This sequence change replaces arginine, which is basic and polar, with cysteine, which is neutral and slightly polar, at codon 700 of the CDK13 protein (p.Arg700Cys). This variant is present in population databases (rs760367885, gnomAD 0.0009%). This variant has not been reported in the literature in individuals affected with CDK13-related conditions. Invitae Evidence Modeling of protein sequence and biophysical properties (such as structural, functional, and spatial information, amino acid conservation, physicochemical variation, residue mobility, and thermodynamic stability) indicates that this missense variant is expected to disrupt CDK13 protein function with a positive predictive value of 95%. In summary, the available evidence is currently insufficient to determine the role of this variant in disease. Therefore, it has been classified as a Variant of Uncertain Significance.

NM_003718.5(CDK13):c.2098C>T (p.Arg700Cys)

Gene: CDK13 (cyclin dependent kinase 13; plus strand). Cytogenetic location: 7p14.1.
Variant type: single nucleotide variant.
Coding change: c.2098C>T on transcript NM_003718.5 (MANE Select); coding-DNA position 2098, C replaced by T.
Protein change: p.Arg700Cys; replaces arginine 700 with cysteine.
Molecular consequence: missense variant.
Genome position (GRCh38, 1-based): chr7:39,999,416, C>T. VCF-style: chr7-39999416-C-T. GRCh37 (hg19) VCF-style: chr7-40039015-C-T.
Other names: c.2098C>T, p.Arg700Cys (NM_031267.4); short protein forms R700C.
Identifiers: ClinVar variation 4708129 (VCV004708129.1).
Genomic context (GRCh38, chr7:39,999,416, plus strand): 5'-GATAGAATATGTGGGCCTCGCTATGGTGAAACCAAAGAAAAAGATATTGACTGGGGAAAA[C>T]GCTGCGTGGATAAATTTGATATCATCGGAATTATTGGAGAAGGTACTTACGGACAAGTTT-3'
Protein context (NP_003709.3, residues 690-710): TKEKDIDWGK[Arg700Cys]CVDKFDIIGI